The following is an entry in ClinVar:

ClinVar aggregate classification (germline): Uncertain significance (1 of 4 stars; one submission).

gnomAD v4.1: 4 of 1,613,680 alleles (0.00025%); highest among the groups gnomAD compares: African/African-American, 0.0053%; no homozygotes.

Submission:

Women's Health and Genetics/Laboratory Corporation of America, LabCorp
Classification: Uncertain significance. Last evaluated: 2024-10-04. Review status: criteria provided, single submitter. Criteria: LabCorp Variant Classification Summary - May 2015. Collection method: clinical testing. Allele origin: germline.
Comment: Variant summary: GP6 c.1556T>G (p.Phe519Cys) results in a non-conservative amino acid change in the encoded protein sequence. Two of four in-silico tools predict a benign effect of the variant on protein function. The variant allele was found at a frequency of 8e-06 in 249206 control chromosomes. The available data on variant occurrences in the general population are insufficient to allow any conclusion about variant significance. To our knowledge, no occurrence of c.1556T>G in individuals affected with Platelet-Type Bleeding Disorder 11 and no experimental evidence demonstrating its impact on protein function have been reported. No submitters have cited clinical-significance assessments for this variant to ClinVar. Based on the evidence outlined above, the variant was classified as uncertain significance.

NM_016363.5(GP6):c.*532T>G

Gene: GP6 (glycoprotein VI platelet; minus strand). Cytogenetic location: 19q13.42.
Variant type: single nucleotide variant.
Coding change: c.*532T>G on transcript NM_016363.5 (MANE Select); 532 bases downstream of the stop codon, T replaced by G.
Molecular consequence: 3 prime UTR variant. On other transcripts: missense variant (1).
Genome position (GRCh38, 1-based): chr19:55,014,389, A>C on the plus strand (T>G on the coding strand, the complement: GP6 is on the minus strand). VCF-style: chr19-55014389-A-C. GRCh37 (hg19) VCF-style: chr19-55525757-A-C.
Other names: c.1556T>G, p.Phe519Cys (NM_001083899.2); c.*532T>G (NM_001256017.2); short protein forms F519C.
Identifiers: ClinVar variation 3384945 (VCV003384945.1).